The following is an entry in ClinVar:

NM_054012.4(ASS1):c.1004G>A (p.Arg335His)

Gene: ASS1 (argininosuccinate synthase 1; plus strand). Cytogenetic location: 9q34.11.
Variant type: single nucleotide variant.
Coding change: c.1004G>A on transcript NM_054012.4 (MANE Select); coding-DNA position 1004, G replaced by A.
Protein change: p.Arg335His; replaces arginine 335 with histidine.
Molecular consequence: missense variant.
Genome position (GRCh38, 1-based): chr9:130,494,900, G>A. VCF-style: chr9-130494900-G-A. GRCh37 (hg19) VCF-style: chr9-133370287-G-A.
Other names: c.1004G>A, p.Arg335His (NM_000050.4); short protein forms R335H.
Identifiers: ClinVar variation 555009 (VCV000555009.7), dbSNP rs555388438, ClinGen allele CA5283611.

ClinVar aggregate classification (germline): Likely pathogenic. Review status: criteria provided, single submitter (1 of 4 stars). 2 submissions from 2 submitters: Likely pathogenic (1). 1 of the submissions does not count toward it. Last evaluated 2025-11-19.

Conditions:
Citrullinemia type I (CTNL1). Also called: ASS DEFICIENCY; argininosuccinate synthetase deficiency. Identifiers: Orphanet 247525, MedGen C4721769, MONDO:0008988, OMIM 215700.
Citrullinemia. Identifiers: Orphanet 187, MedGen C0175683, MONDO:0015991.

Allele frequency attached by ClinVar (database versions not stated): ExAC 0.00002; gnomAD exomes 0.00002 and 0.00005; gnomAD 0.00005; TOPMed 0.00006; 1000 Genomes Project 30x 0.00016; 1000 Genomes Project 0.00020.
gnomAD v4.1: 34 of 1,613,408 alleles (0.0021%); highest among the groups gnomAD compares: Admixed American, 0.0083%; no homozygotes.

Submissions (2):

Labcorp Genetics (formerly Invitae), Labcorp
Classification: Likely pathogenic for Citrullinemia. Last evaluated: 2025-11-19. Review status: criteria provided, single submitter. Criteria: Invitae Variant Classification Sherloc (09022015). Collection method: clinical testing. Allele origin: germline.
Comment: This sequence change replaces arginine, which is basic and polar, with histidine, which is basic and polar, at codon 335 of the ASS1 protein (p.Arg335His). This variant is present in population databases (rs555388438, gnomAD 0.01%). This missense change has been observed in individual(s) with citrullinemia and/or elevated citrulline (PMID: 28111830, 31737040; internal data). In at least one individual the data is consistent with being in trans (on the opposite chromosome) from a pathogenic variant. ClinVar contains an entry for this variant (Variation ID: 555009). Invitae Evidence Modeling of protein sequence and biophysical properties (such as structural, functional, and spatial information, amino acid conservation, physicochemical variation, residue mobility, and thermodynamic stability) indicates that this missense variant is not expected to disrupt ASS1 protein function with a negative predictive value of 80%. This variant disrupts the p.Arg335 amino acid residue in ASS1. Other variant(s) that disrupt this residue have been determined to be pathogenic (internal data). This suggests that this residue is clinically significant, and that variants that disrupt this residue are likely to be disease-causing. In summary, the currently available evidence indicates that the variant is pathogenic, but additional data are needed to prove that conclusively. Therefore, this variant has been classified as Likely Pathogenic.

Counsyl
Classification: Uncertain significance for Citrullinemia type I. Last evaluated: 2017-11-10. Review status: no assertion criteria provided. Collection method: clinical testing. Allele origin: unknown. Not counted in ClinVar's aggregate classification.

Literature cited by the submitters: PubMed 28111830 (cited by Labcorp Genetics (formerly Invitae), Labcorp and Counsyl); PubMed 31737040 (cited by Labcorp Genetics (formerly Invitae), Labcorp).